The following is an entry in ClinVar:

ClinVar aggregate classification (germline): Uncertain significance (1 of 4 stars; one submission).

Conditions:
Cardiovascular phenotype. Identifiers: MedGen CN230736.

Allele frequency attached by ClinVar (database versions not stated): gnomAD exomes below 0.00001.
gnomAD v4.1: 5 of 1,613,264 alleles (0.00031%); highest among the groups gnomAD compares: African/African-American, 0.0013%; no homozygotes.

Submission:

Ambry Genetics
Classification: Uncertain significance for Cardiovascular phenotype. Last evaluated: 2025-08-09. Review status: criteria provided, single submitter. Criteria: Ambry Variant Classification Scheme 2023. Collection method: clinical testing. Allele origin: germline.
Comment: The p.R81W variant (also known as c.241C>T), located in coding exon 3 of the EPHB4 gene, results from a C to T substitution at nucleotide position 241. The arginine at codon 81 is replaced by tryptophan, an amino acid with dissimilar properties. This amino acid position is conserved. In addition, this alteration is predicted to be tolerated by in silico analysis. Based on the available evidence, the clinical significance of this variant remains unclear.

NM_004444.5(EPHB4):c.241C>T (p.Arg81Trp)

Gene: EPHB4 (EPH receptor B4; minus strand). Cytogenetic location: 7q22.1.
Variant type: single nucleotide variant.
Coding change: c.241C>T on transcript NM_004444.5 (MANE Select); coding-DNA position 241, C replaced by T.
Protein change: p.Arg81Trp; replaces arginine 81 with tryptophan.
Molecular consequence: missense variant.
Genome position (GRCh38, 1-based): chr7:100,823,814, G>A on the plus strand (C>T on the coding strand, the complement: EPHB4 is on the minus strand). VCF-style: chr7-100823814-G-A. GRCh37 (hg19) VCF-style: chr7-100421436-G-A.
Other names: short protein forms R81W.
Identifiers: ClinVar variation 3089680 (VCV003089680.2), dbSNP rs1471974453, ClinGen allele CA368584341.